The following is an entry in ClinVar:

NM_000277.3(PAH):c.607dup (p.Cys203fs)

Gene: PAH (phenylalanine hydroxylase; minus strand). Cytogenetic location: 12q23.2.
Variant type: Duplication.
Coding change: c.607dup on transcript NM_000277.3 (MANE Select); coding-DNA position 607, one base duplicated (T; older notation c.607dupT).
Protein change: p.Cys203fs; shifts the reading frame from cysteine 203.
Molecular consequence: frameshift variant.
Genome position (GRCh38, 1-based): chr12:102,855,235, A duplicated on the plus strand (T on the coding strand, the reverse complement: PAH is on the minus strand); the first of 2 consecutive A bases (chr12:102,855,235-102,855,236); duplicating either gives the same sequence. VCF-style (leftmost placement, unchanged base first): chr12-102855234-C-CA. GRCh37 (hg19) VCF-style: chr12-103249012-C-CA.
Other names: c.607dup, p.Cys203fs (NM_001354304.2); short protein forms C203fs.
Identifiers: ClinVar variation 987777 (VCV000987777.1), dbSNP rs1875366372, ClinGen allele CA16020829.

ClinVar aggregate classification (germline): Pathogenic (3 of 4 stars; one submission).

Conditions:
Phenylketonuria (PKU). Also called: OLIGOPHRENIA PHENYLPYRUVICA; Phenylketonuria (PKU); Phenylketonurias; FOLLING DISEASE. Identifiers: Orphanet 716, MedGen C0031485, MONDO:0009861, OMIM 261600. Disease mechanism: loss of function.

Submission:

ClinGen PAH Variant Curation Expert Panel
Classification: Pathogenic for Phenylketonuria. Last evaluated: 2020-10-15. Review status: reviewed by expert panel. Criteria: ClinGen PAH ACMG Specifications v1. Collection method: curation. Allele origin: germline. Inheritance: Autosomal recessive inheritance.
Comment: This variant c.607dup (p.Cys203LeufsTer3) in PAH was reported in at least 1 Czech patient with PAH deficiency (paper did not specify how many patients had this variant) (PMID: 23357515), although a defect in BH4 metabolism was not excluded. This is a frameshift variant in exon 6 out of 13 coding exons, predicted to undergo nonsense mediated mRNA decay, as it is not located in the 3'-most exon or the 3'-most 50 bp of the penultimate exon. The exon is present in biologically-relevant transcripts. This variant is absent from population databases. In summary, this variant meets criteria to be classified as pathogenic for PAH. PAH-specific ACMG/AMP criteria applied: PVS1, PM2, PP4.

Literature cited by the submitters: PubMed 23357515.